The following is an entry in ClinVar:

ClinVar aggregate classification (germline): Uncertain significance (1 of 4 stars; one submission).

Conditions:
Inborn genetic diseases. Identifiers: MedGen C0950123, MeSH D030342.

Submission:

Ambry Genetics
Classification: Uncertain significance for Inborn genetic diseases. Last evaluated: 2020-12-11. Review status: criteria provided, single submitter. Criteria: Ambry Variant Classification Scheme 2023. Collection method: clinical testing. Allele origin: germline.
Comment: The p.P1386R variant (also known as c.4157C>G), located in coding exon 4 of the PRX gene, results from a C to G substitution at nucleotide position 4157. The proline at codon 1386 is replaced by arginine, an amino acid with dissimilar properties. This amino acid position is well conserved in available vertebrate species. In addition, this alteration is predicted to be tolerated by in silico analysis. Since supporting evidence is limited at this time, the clinical significance of this alteration remains unclear.

NM_181882.3(PRX):c.4157C>G (p.Pro1386Arg)

Gene: PRX (periaxin; minus strand). Cytogenetic location: 19q13.2.
Variant type: single nucleotide variant.
Coding change: c.4157C>G on transcript NM_181882.3 (MANE Select); coding-DNA position 4157, C replaced by G.
Protein change: p.Pro1386Arg; replaces proline 1386 with arginine.
Molecular consequence: missense variant. On other transcripts: 3 prime UTR variant (1).
Genome position (GRCh38, 1-based): chr19:40,394,195, G>C on the plus strand (C>G on the coding strand, the complement: PRX is on the minus strand). VCF-style: chr19-40394195-G-C. GRCh37 (hg19) VCF-style: chr19-40900102-G-C.
Other names: c.4442C>G, p.Pro1481Arg (NM_001411127.1); c.*4362C>G (NM_020956.2); short protein forms P1386R, P1481R.
Identifiers: ClinVar variation 1738301 (VCV001738301.2), dbSNP rs372582520, ClinGen allele CA405890507.